The following is an entry in ClinVar:

ClinVar aggregate classification (germline): Likely benign (1 of 4 stars; one submission).

Conditions:
RPS6KA3-related disorder. Also called: RPS6KA3-related condition.

Submission:

PreventionGenetics, part of Exact Sciences
Classification: Likely benign for RPS6KA3-related condition. Last evaluated: 2026-06-12. Review status: criteria provided, single submitter. Criteria: ACMG Guidelines, 2015. Collection method: clinical testing. Allele origin: germline.
Comment: This variant is classified as likely benign based on ACMG/AMP sequence variant interpretation guidelines (Richards et al. 2015 PMID: 25741868, with internal and published modifications).

NM_004586.3(RPS6KA3):c.487-9T>G

Gene: RPS6KA3 (ribosomal protein S6 kinase A3; minus strand). Cytogenetic location: Xp22.12.
Variant type: single nucleotide variant.
Coding change: c.487-9T>G on transcript NM_004586.3 (MANE Select); 9 bases into the intron before coding-DNA position 487, T replaced by G.
Molecular consequence: intron variant.
Genome position (GRCh38, 1-based): chrX:20,193,602, A>C on the plus strand (T>G on the coding strand, the complement: RPS6KA3 is on the minus strand). VCF-style: chrX-20193602-A-C. GRCh37 (hg19) VCF-style: chrX-20211720-A-C.
Other names: c.403-9T>G (NM_001438340.1).
Identifiers: ClinVar variation 4993354 (VCV004993354.1).